The following is an entry in ClinVar:

ClinVar aggregate classification (germline): Uncertain significance. Review status: criteria provided, multiple submitters, no conflicts (2 of 4 stars). 4 submissions from 4 submitters: Uncertain significance (3). 1 of the submissions does not count toward it. Last evaluated 2026-01-26.

Conditions:
Hereditary cancer-predisposing syndrome. Also called: Neoplastic Syndromes, Hereditary; Hereditary neoplastic syndrome; Tumor predisposition; Hereditary Cancer Syndrome. Identifiers: Orphanet 140162, MedGen C0027672, MeSH D009386, MONDO:0015356.
Ataxia-telangiectasia syndrome (AT). Also called: Ataxia telangiectasia (A-T); Cerebello-oculocutaneous telangiectasia; Immunodeficiency with ataxia telangiectasia; LOUIS-BAR SYNDROME; AT, COMPLEMENTATION GROUP C; ATAXIA-TELANGIECTASIA, FRESNO VARIANT. Identifiers: Orphanet 100, MedGen C0004135, MONDO:0008840, OMIM 208900.

Allele frequency attached by ClinVar (database versions not stated): ExAC 0.00001.
gnomAD v4.1: 1 of 1,613,840 alleles (0.000062%); highest among the groups gnomAD compares: Admixed American, 0.0017%; no homozygotes.

Submissions (4):

Labcorp Genetics (formerly Invitae), Labcorp
Classification: Uncertain significance for Ataxia-telangiectasia syndrome. Last evaluated: 2026-01-26. Review status: criteria provided, single submitter. Criteria: Invitae Variant Classification Sherloc (09022015). Collection method: clinical testing. Allele origin: germline.
Comment: This sequence change replaces phenylalanine, which is neutral and non-polar, with leucine, which is neutral and non-polar, at codon 2839 of the ATM protein (p.Phe2839Leu). This variant is present in population databases (rs767845728, gnomAD 0.003%). This variant has not been reported in the literature in individuals affected with ATM-related conditions. ClinVar contains an entry for this variant (Variation ID: 232072). Invitae Evidence Modeling of protein sequence and biophysical properties (such as structural, functional, and spatial information, amino acid conservation, physicochemical variation, residue mobility, and thermodynamic stability) indicates that this missense variant is expected to disrupt ATM protein function with a positive predictive value of 80%. In summary, the available evidence is currently insufficient to determine the role of this variant in disease. Therefore, it has been classified as a Variant of Uncertain Significance.

Ambry Genetics
Classification: Uncertain significance for Hereditary cancer-predisposing syndrome. Last evaluated: 2025-08-14. Review status: criteria provided, single submitter. Criteria: Ambry Variant Classification Scheme 2023. Collection method: clinical testing. Allele origin: germline.
Comment: The p.F2839L variant (also known as c.8517C>A), located in coding exon 57 of the ATM gene, results from a C to A substitution at nucleotide position 8517. The phenylalanine at codon 2839 is replaced by leucine, an amino acid with highly similar properties. A similar alteration, c.8517C>G, which results in the same amino acid change, p.F2839L, has been described as an ATM alteration with partially retained ATM kinase activity (Taylor AM et al. Clin Genet. 2015 Mar;87(3):199-208). This amino acid position is highly conserved in available vertebrate species. In addition, this alteration is predicted to be deleterious by in silico analysis. Since supporting evidence is limited at this time, the clinical significance of this alteration remains unclear.

Color Diagnostics, LLC DBA Color Health
Classification: Uncertain significance for Hereditary cancer-predisposing syndrome. Last evaluated: 2023-01-23. Review status: criteria provided, single submitter. Criteria: ACMG Guidelines, 2015. Collection method: clinical testing. Allele origin: germline.
Comment: This missense variant replaces phenylalanine with leucine at codon 2839 of the ATM protein. Computational prediction suggests that this variant may have deleterious impact on protein structure and function (internally defined REVEL score threshold >= 0.7, PMID: 27666373). To our knowledge, functional studies have not been reported for this variant. This variant has not been reported in individuals affected with ATM-related disorders in the literature. This variant has been identified in 1/251246 chromosomes in the general population by the Genome Aggregation Database (gnomAD). The available evidence is insufficient to determine the role of this variant in disease conclusively. Therefore, this variant is classified as a Variant of Uncertain Significance.

Natera, Inc.
Classification: Uncertain significance for Ataxia-telangiectasia. Last evaluated: 2021-10-13. Review status: no assertion criteria provided. Collection method: clinical testing. Allele origin: germline. Not counted in ClinVar's aggregate classification.

Literature cited by the submitters: PubMed 26466571 (cited by Ambry Genetics).

NM_000051.4(ATM):c.8517C>A (p.Phe2839Leu)

Genes: ATM (ATM serine/threonine kinase; plus strand), C11orf65 (chromosome 11 open reading frame 65; minus strand). Cytogenetic location: 11q22.3.
Variant type: single nucleotide variant.
Coding change: c.8517C>A on transcript NM_000051.4 (MANE Select); coding-DNA position 8517, C replaced by A.
Protein change: p.Phe2839Leu; replaces phenylalanine 2839 with leucine.
Molecular consequence: missense variant. On other transcripts: intron variant (2).
Genome position (GRCh38, 1-based): chr11:108,345,841, C>A. VCF-style: chr11-108345841-C-A. GRCh37 (hg19) VCF-style: chr11-108216568-C-A.
Other names: c.8517C>A, p.Phe2839Leu (NM_001351834.2); c.641-36770G>T (NM_001330368.2); c.695-10549G>T (NM_001351110.2); short protein forms F2839L.
Identifiers: ClinVar variation 232072 (VCV000232072.25), dbSNP rs767845728, ClinGen allele CA6266376.